The following is an entry in ClinVar:

NM_015378.4(VPS13D):c.5579A>T (p.His1860Leu)

Gene: VPS13D (vacuolar protein sorting 13 homolog D; plus strand). Cytogenetic location: 1p36.22.
Variant type: single nucleotide variant.
Coding change: c.5579A>T on transcript NM_015378.4 (MANE Select); coding-DNA position 5579, A replaced by T.
Protein change: p.His1860Leu; replaces histidine 1860 with leucine.
Molecular consequence: missense variant.
Genome position (GRCh38, 1-based): chr1:12,283,681, A>T. VCF-style: chr1-12283681-A-T. GRCh37 (hg19) VCF-style: chr1-12343738-A-T.
Other names: c.5579A>T (NM_015378.2); c.5579A>T, p.His1860Leu (NM_018156.4); short protein forms H1860L.
Identifiers: ClinVar variation 3000589 (VCV003000589.4), dbSNP rs750491771, ClinGen allele CA602333.
Genomic context (GRCh38, chr1:12,283,681, plus strand): 5'-ACAACCACGCAATGAGGCTGCCTCCTGAGGGCATTCTGCACAACGTGAAGTTGGAGCCAC[A>T]TGCCTCCATGGAGTCTGGACTTCAGGATCCAGTGAACACCAAACTGGATCTCAAGGTATC-3'
Protein context (NP_056193.2, residues 1850-1870): GILHNVKLEP[His1860Leu]ASMESGLQDP

ClinVar aggregate classification (germline): Uncertain significance. Review status: criteria provided, multiple submitters, no conflicts (2 of 4 stars). 2 submissions from 2 submitters: Uncertain significance (2). Last evaluated 2025-05-19.

Conditions:
Inborn genetic diseases. Identifiers: MedGen C0950123, MeSH D030342.

gnomAD v4.1: 16 of 1,614,214 alleles (0.00099%); highest among the groups gnomAD compares: Admixed American, 0.0017%; no homozygotes.

Submissions (2):

Ambry Genetics
Classification: Uncertain significance for Inborn genetic diseases. Last evaluated: 2025-05-19. Review status: criteria provided, single submitter. Criteria: Ambry Variant Classification Scheme 2023. Collection method: clinical testing. Allele origin: germline.

Labcorp Genetics (formerly Invitae), Labcorp
Classification: Uncertain significance. Last evaluated: 2023-05-30. Review status: criteria provided, single submitter. Criteria: Invitae Variant Classification Sherloc (09022015). Collection method: clinical testing. Allele origin: germline.
Comment: In summary, the available evidence is currently insufficient to determine the role of this variant in disease. Therefore, it has been classified as a Variant of Uncertain Significance. Advanced modeling of protein sequence and biophysical properties (such as structural, functional, and spatial information, amino acid conservation, physicochemical variation, residue mobility, and thermodynamic stability) performed at Invitae indicates that this missense variant is not expected to disrupt VPS13D protein function. This variant has not been reported in the literature in individuals affected with VPS13D-related conditions. This variant is present in population databases (rs750491771, gnomAD 0.004%). This sequence change replaces histidine, which is basic and polar, with leucine, which is neutral and non-polar, at codon 1860 of the VPS13D protein (p.His1860Leu).